The following is an entry in ClinVar:

NM_000136.3(FANCC):c.1014G>A (p.Lys338=)

Genes: AOPEP (aminopeptidase O (putative); plus strand), FANCC (FA complementation group C; minus strand). Cytogenetic location: 9q22.32.
Variant type: single nucleotide variant.
Coding change: c.1014G>A on transcript NM_000136.3 (MANE Select); coding-DNA position 1014, G replaced by A.
Protein change: p.Lys338=; no amino-acid change (lysine 338 retained).
Molecular consequence: synonymous variant.
Genome position (GRCh38, 1-based): chr9:95,117,373, C>T on the plus strand (G>A on the coding strand, the complement: FANCC is on the minus strand). VCF-style: chr9-95117373-C-T. GRCh37 (hg19) VCF-style: chr9-97879655-C-T.
Other names: c.1014G>A, p.Lys338= (NM_001243743.2, NM_001243744.2).
Identifiers: ClinVar variation 422702 (VCV000422702.12), dbSNP rs780776360, ClinGen allele CA5137490.

ClinVar aggregate classification (germline): Conflicting classifications of pathogenicity. Review status: criteria provided, conflicting classifications (1 of 4 stars). 5 submissions from 5 submitters: Uncertain significance (3); Likely benign (1). 1 of the submissions does not count toward it. Last evaluated 2024-11-26.

Conditions:
Hereditary cancer-predisposing syndrome. Also called: Hereditary neoplastic syndrome; Neoplastic Syndromes, Hereditary; Tumor predisposition; Hereditary Cancer Syndrome. Identifiers: Orphanet 140162, MedGen C0027672, MeSH D009386, MONDO:0015356.
Fanconi anemia (FA). Also called: Fanconi's anemia. Identifiers: Orphanet 84, MedGen C0015625, MeSH D005199, MONDO:0019391.
Fanconi anemia complementation group C (FANCC). Also called: Fanconi anemia, group C; FANCONI PANCYTOPENIA, TYPE 3; FACC; FANCC-Related Fanconi Anemia. Identifiers: Orphanet 84, MedGen C3468041, MONDO:0009213, OMIM 227645.

Allele frequency attached by ClinVar (database versions not stated): gnomAD exomes below 0.00001 and 0.00003; ExAC 0.00001.
gnomAD v4.1: 41 of 1,613,976 alleles (0.0025%); highest among the groups gnomAD compares: Non-Finnish European, 0.0034%; no homozygotes.

Submissions (5):

Ambry Genetics
Classification: Uncertain significance for Hereditary cancer-predisposing syndrome. Last evaluated: 2024-11-26. Review status: criteria provided, single submitter. Criteria: Ambry Variant Classification Scheme 2023. Collection method: clinical testing. Allele origin: germline.
Comment: The c.1014G>A variant (also known as p.K338K), located in coding exon 10 of the FANCC gene, results from a G to A substitution at nucleotide position 1014. This nucleotide substitution does not change the lysine at codon 338. This variant was also observed in 1/3251 individuals who met eligibility criteria for hereditary breast and ovarian cancer syndrome (Lerner-Ellis J et al. J Cancer Res Clin Oncol, 2021 Mar;147:871-879). This nucleotide position is highly conserved in available vertebrate species. In silico splice site analysis predicts that this alteration may weaken the native splice acceptor site. Since supporting evidence is limited at this time, the clinical significance of this alteration remains unclear.

Labcorp Genetics (formerly Invitae), Labcorp
Classification: Likely benign for Fanconi anemia. Last evaluated: 2022-12-23. Review status: criteria provided, single submitter. Criteria: Invitae Variant Classification Sherloc (09022015). Collection method: clinical testing. Allele origin: germline.

Department of Pathology and Laboratory Medicine, Sinai Health System
Classification: Uncertain significance for Fanconi anemia complementation group C. Last evaluated: 2019-11-20. Review status: criteria provided, single submitter. Criteria: ACMG Guidelines, 2015. Collection method: clinical testing. Allele origin: germline. Affected: yes.

GeneDx
Classification: Uncertain significance. Last evaluated: 2016-11-03. Review status: criteria provided, single submitter. Criteria: GeneDx Variant Classification (06012015). Collection method: clinical testing. Allele origin: germline. Affected: yes.
Comment: This variant is denoted FANCC c.1014G>A at the DNA level. This variant is silent at the coding level, preserving a Lysine at codon 338. In silico splicing models are inconsistent; therefore, in the absence of RNA or functional studies, the actual effect of this variant is unknown. This variant has not, to our knowledge, been published in the literature as being pathogenic or benign. FANCC c.1014G>A was not observed in approximately 6,500 individuals of European and African American ancestry in the NHLBI Exome Sequencing Project, indicating it is not a common benign variant in these populations.The nucleotide which is altered, a guanine (G) at base 1014, is conserved across species. Based on currently available information, it is unclear whether FANCC c.1014G>A is a pathogenic or benign variant. We consider it to be a variant of uncertain significance.

Natera, Inc.
Classification: Uncertain significance for Fanconi anemia. Last evaluated: 2020-09-10. Review status: no assertion criteria provided. Collection method: clinical testing. Allele origin: germline. Not counted in ClinVar's aggregate classification.

Literature cited by the submitters: PubMed 32885271 (cited by Ambry Genetics).